The following is an entry in ClinVar:

NM_005909.5(MAP1B):c.6198C>T (p.Tyr2066=)

Gene: MAP1B (microtubule associated protein 1B; plus strand). Cytogenetic location: 5q13.2.
Variant type: single nucleotide variant.
Coding change: c.6198C>T on transcript NM_005909.5 (MANE Select); coding-DNA position 6198, C replaced by T.
Protein change: p.Tyr2066=; no amino-acid change (tyrosine 2066 retained).
Molecular consequence: synonymous variant.
Genome position (GRCh38, 1-based): chr5:72,199,553, C>T. VCF-style: chr5-72199553-C-T. GRCh37 (hg19) VCF-style: chr5-71495380-C-T.
Other names: c.5820C>T, p.Tyr1940= (NM_001324255.2).
Identifiers: ClinVar variation 3772090 (VCV003772090.13).
Genomic context (GRCh38, chr5:72,199,553, plus strand): 5'-GAAAATCACTAGAACCCCTCAGGCATCCACATATTCCTACGAGACTTCAGACCTATGCTA[C>T]ACTGCAGAAAAGAAGTCCCCCTCAGAAGCCCGTCAGGATGTCGATTTATGCCTCGTGTCC-3'
Protein context (NP_005900.2, residues 2056-2076): TYSYETSDLC[Tyr2066=]TAEKKSPSEA

ClinVar aggregate classification (germline): Likely benign (1 of 4 stars; one submission).

gnomAD v4.1: 10 of 1,614,168 alleles (0.00062%); highest among the groups gnomAD compares: Non-Finnish European, 0.00085%; no homozygotes.

Submission:

CeGaT Center for Human Genetics Tuebingen
Classification: Likely benign. Last evaluated: 2024-12-01. Review status: criteria provided, single submitter. Criteria: CeGaT Center For Human Genetics Tuebingen Variant Classification Criteria Version 2. Collection method: clinical testing. Allele origin: germline. Affected: yes. Observed: 1 variant allele.
Comment: MAP1B: BP4, BP7